The following is an entry in ClinVar:

ClinVar aggregate classification (germline): Likely benign (1 of 4 stars; one submission).

Submission:

CeGaT Center for Human Genetics Tuebingen
Classification: Likely benign. Last evaluated: 2026-02-01. Review status: criteria provided, single submitter. Criteria: CeGaT Center For Human Genetics Tuebingen Variant Classification Criteria Version 2. Collection method: clinical testing. Allele origin: germline. Affected: yes. Observed: 2 variant alleles.
Comment: NOMO3: BP4, BP7

NM_001004067.4(NOMO3):c.1638C>T (p.Thr546=)

Gene: NOMO3 (NODAL modulator 3; plus strand). Cytogenetic location: 16p13.11.
Variant type: single nucleotide variant.
Coding change: c.1638C>T on transcript NM_001004067.4 (MANE Select); coding-DNA position 1638, C replaced by T.
Protein change: p.Thr546=; no amino-acid change (threonine 546 retained).
Molecular consequence: synonymous variant.
Genome position (GRCh38, 1-based): chr16:16,263,613, C>T. VCF-style: chr16-16263613-C-T. GRCh37 (hg19) VCF-style: chr16-16357470-C-T.
Identifiers: ClinVar variation 3770995 (VCV003770995.13).